The following is an entry in ClinVar:

ClinVar aggregate classification (germline): Uncertain significance (1 of 4 stars; one submission).

Conditions:
Danon disease. Also called: GSD IIb; LYSOSOMAL GLYCOGEN STORAGE DISEASE WITHOUT ACID MALTASE DEFICIENCY; Glycogen Storage Disease Type IIb; ANTOPOL DISEASE; PSEUDOGLYCOGENOSIS II. Identifiers: Orphanet 34587, MedGen C0878677, MONDO:0010281, OMIM 300257.

Submission:

Labcorp Genetics (formerly Invitae), Labcorp
Classification: Uncertain significance for Danon disease. Last evaluated: 2025-09-15. Review status: criteria provided, single submitter. Criteria: Invitae Variant Classification Sherloc (09022015). Collection method: clinical testing. Allele origin: germline.
Comment: This sequence change replaces asparagine, which is neutral and polar, with lysine, which is basic and polar, at codon 227 of the LAMP2 protein (p.Asn227Lys). This variant is not present in population databases (gnomAD no frequency). This variant has not been reported in the literature in individuals affected with LAMP2-related conditions. Invitae Evidence Modeling of protein sequence and biophysical properties (such as structural, functional, and spatial information, amino acid conservation, physicochemical variation, residue mobility, and thermodynamic stability) has been performed for this missense variant. However, the output from this modeling did not meet the statistical confidence thresholds required to predict the impact of this variant on LAMP2 protein function. In summary, the available evidence is currently insufficient to determine the role of this variant in disease. Therefore, it has been classified as a Variant of Uncertain Significance.

NM_002294.3(LAMP2):c.681T>A (p.Asn227Lys)

Gene: LAMP2 (lysosome associated membrane protein 2; minus strand). Cytogenetic location: Xq24.
Variant type: single nucleotide variant.
Coding change: c.681T>A on transcript NM_002294.3 (MANE Select); coding-DNA position 681, T replaced by A.
Protein change: p.Asn227Lys; replaces asparagine 227 with lysine.
Molecular consequence: missense variant.
Genome position (GRCh38, 1-based): chrX:120,447,901, A>T on the plus strand (T>A on the coding strand, the complement: LAMP2 is on the minus strand). VCF-style: chrX-120447901-A-T. GRCh37 (hg19) VCF-style: chrX-119581756-A-T.
Other names: c.681T>A, p.Asn227Lys (NM_001122606.1, NM_013995.2); short protein forms N227K.
Identifiers: ClinVar variation 4737061 (VCV004737061.1).
Genomic context (GRCh38, chrX:120,447,901, plus strand): 5'-CTTATCCTGAGTGATGTTCAGCTGCAGCCCCATGGTAGCCAGCAGACAAGTATCATTGCC[A>T]TTATTAACTGAATAGGTTCCAGCTTCTGGTTTTTCCTTTGGAGTAGGTGTTGTAGTAGGA-3'
Protein context (NP_002285.1, residues 217-237): KPEAGTYSVN[Asn227Lys]GNDTCLLATM